The following is an entry in ClinVar:

NM_000553.6(WRN):c.674G>T (p.Arg225Leu)

Gene: WRN (WRN RecQ like helicase; plus strand). Cytogenetic location: 8p12.
Variant type: single nucleotide variant.
Coding change: c.674G>T on transcript NM_000553.6 (MANE Select); coding-DNA position 674, G replaced by T.
Protein change: p.Arg225Leu; replaces arginine 225 with leucine.
Molecular consequence: missense variant.
Genome position (GRCh38, 1-based): chr8:31,068,277, G>T. VCF-style: chr8-31068277-G-T. GRCh37 (hg19) VCF-style: chr8-30925793-G-T.
Other names: short protein forms R225L.
Identifiers: ClinVar variation 851001 (VCV000851001.6), dbSNP rs62506077, ClinGen allele CA370916952.
Genomic context (GRCh38, chr8:31,068,277, plus strand): 5'-GATCTTTAGCATACTTTTTAAATTTTTCTGTTTTTTTATAGGCTGGTTTTATTATTTACC[G>T]AAATTTAGAGATTTTGGATGATACTGTGCAAAGGTTTGCTATAAATAAAGGTATGTTAAG-3'
Protein context (NP_000544.2, residues 215-235): TDAYAGFIIY[Arg225Leu]NLEILDDTVQ

ClinVar aggregate classification (germline): Uncertain significance (1 of 4 stars; one submission).

Conditions:
Werner syndrome (WRN). Identifiers: Orphanet 902, MedGen C0043119, MONDO:0010196, OMIM 277700.

Submissions (2):

Labcorp Genetics (formerly Invitae), Labcorp
Classification: Uncertain significance for Werner syndrome. Last evaluated: 2019-12-13. Review status: criteria provided, single submitter. Criteria: Invitae Variant Classification Sherloc (09022015). Collection method: clinical testing. Allele origin: germline.
Comment: This variant is not present in population databases (ExAC no frequency). In summary, the available evidence is currently insufficient to determine the role of this variant in disease. Therefore, it has been classified as a Variant of Uncertain Significance. Algorithms developed to predict the effect of missense changes on protein structure and function are either unavailable or do not agree on the potential impact of this missense change (SIFT: "Not available"; PolyPhen-2: "Benign"; Align-GVGD: "Not available"). This variant has not been reported in the literature in individuals with WRN-related conditions. This sequence change replaces arginine with leucine at codon 225 of the WRN protein (p.Arg225Leu). The arginine residue is weakly conserved and there is a moderate physicochemical difference between arginine and leucine.

Dr. Peter K. Rogan Lab, Western University
No classification provided (evidence only). Condition: Thyroid cancer, nonmedullary, 1. Review status: no classification provided. Collection method: in vitro. Allele origin: not applicable. Functional consequence: retained intron. Not counted in ClinVar's aggregate classification.